The following is an entry in ClinVar:

ClinVar aggregate classification (germline): Conflicting classifications of pathogenicity. Review status: criteria provided, conflicting classifications (1 of 4 stars). 2 submissions from 2 submitters: Likely pathogenic (1); Uncertain significance (1). Last evaluated 2024-03-06.

Conditions:
Niemann-Pick disease, type A. Also called: Infantile Neurovisceral ASMD (Niemann-Pick Disease Type A; NPD-A); SPHINGOMYELIN LIPIDOSIS; SPHINGOMYELINASE DEFICIENCY. Identifiers: Orphanet 77292, MedGen C0268242, MONDO:0009756, OMIM 257200. Disease mechanism: loss of function.
Niemann-Pick disease, type B. Also called: Chronic Visceral ASMD (Niemann-Pick Disease Type B; NPD-B). Identifiers: Orphanet 77293, MedGen C0268243, MONDO:0011871, OMIM 607616. Disease mechanism: loss of function.

gnomAD v4.1: 1 of 1,614,142 alleles (0.000062%); highest among the groups gnomAD compares: Non-Finnish European, 0.000085%; no homozygotes.

Submissions (2):

Women's Health and Genetics/Laboratory Corporation of America, LabCorp
Classification: Uncertain significance. Last evaluated: 2024-03-06. Review status: criteria provided, single submitter. Criteria: LabCorp Variant Classification Summary - May 2015. Collection method: clinical testing. Allele origin: germline.
Comment: Variant summary: SMPD1 c.1526G>C (p.Ser509Thr) results in a conservative amino acid change located in the Sphingomyelin phosphodiesterase, C-terminal domain (IPR045473) of the encoded protein sequence. Two of four in-silico tools predict a benign effect of the variant on protein function. The variant was absent in 251418 control chromosomes (gnomAD). The available data on variant occurrences in the general population are insufficient to allow any conclusion about variant significance. c.1526G>C has been reported in the literature in an individual affected with Niemann-Pick Disease (Hu_2021). These data do not allow any conclusion about variant significance. To our knowledge, no experimental evidence demonstrating an impact on protein function has been reported. The following publication has been ascertained in the context of this evaluation (PMID: 33675270). ClinVar contains an entry for this variant (Variation ID: 992710). Based on the evidence outlined above, the variant was classified as uncertain significance.

Huiwen Zhang's lab, Shanghai Jiao Tong University School of Medicine, Xinhua Hospital
Classification: Likely pathogenic for Niemann-Pick disease, type A; Niemann-Pick disease, type B. Last evaluated: 2020-12-30. Review status: criteria provided, single submitter. Criteria: ACMG Guidelines, 2015. Collection method: clinical testing. Allele origin: inherited. Affected: yes.

Literature cited by the submitters: PubMed 33675270 (cited by Women's Health and Genetics/Laboratory Corporation of America, LabCorp).

NM_000543.5(SMPD1):c.1526G>C (p.Ser509Thr)

Gene: SMPD1 (sphingomyelin phosphodiesterase 1; plus strand). Cytogenetic location: 11p15.4.
Variant type: single nucleotide variant.
Coding change: c.1526G>C on transcript NM_000543.5 (MANE Select); coding-DNA position 1526, G replaced by C.
Protein change: p.Ser509Thr; replaces serine 509 with threonine.
Molecular consequence: missense variant. On other transcripts: 3 prime UTR variant (1), non-coding transcript variant (2).
Genome position (GRCh38, 1-based): chr11:6,394,237, G>C. VCF-style: chr11-6394237-G-C. GRCh37 (hg19) VCF-style: chr11-6415467-G-C.
Other names: c.1523G>C, p.Ser508Thr (NM_001007593.3); c.*19G>C (NM_001318087.2); c.605G>C, p.Ser202Thr (NM_001318088.2); c.1394G>C, p.Ser465Thr (NM_001365135.2); short protein forms S202T, S465T, S508T, S509T.
Identifiers: ClinVar variation 992710 (VCV000992710.3), dbSNP rs764772735, ClinGen allele CA379375999.